The following is an entry in ClinVar:

ClinVar aggregate classification (germline): Uncertain significance (0 of 4 stars; one submission).

Conditions:
COQ8A-related disorder. Also called: COQ8A-related condition.

gnomAD v4.1: 1 of 1,613,632 alleles (0.000062%); highest among the groups gnomAD compares: South Asian, 0.0011%; no homozygotes.

Submission:

PreventionGenetics, part of Exact Sciences
Classification: Uncertain significance for COQ8A-related condition. Last evaluated: 2024-05-02. Review status: no assertion criteria provided. Collection method: clinical testing. Allele origin: germline.
Comment: The COQ8A c.1406A>G variant is predicted to result in the amino acid substitution p.Tyr469Cys. To our knowledge, this variant has not been reported in the literature. This variant is reported in 0.0033% of alleles in individuals of South Asian descent in gnomAD. At this time, the clinical significance of this variant is uncertain due to the absence of conclusive functional and genetic evidence.

NM_020247.5(COQ8A):c.1406A>G (p.Tyr469Cys)

Gene: COQ8A (coenzyme Q8A; plus strand). Cytogenetic location: 1q42.13.
Variant type: single nucleotide variant.
Coding change: c.1406A>G on transcript NM_020247.5 (MANE Select); coding-DNA position 1406, A replaced by G.
Protein change: p.Tyr469Cys; replaces tyrosine 469 with cysteine.
Molecular consequence: missense variant.
Genome position (GRCh38, 1-based): chr1:226,984,555, A>G. VCF-style: chr1-226984555-A-G. GRCh37 (hg19) VCF-style: chr1-227172256-A-G.
Other names: short protein forms Y469C.
Identifiers: ClinVar variation 3345675 (VCV003345675.1).
Genomic context (GRCh38, chr1:226,984,555, plus strand): 5'-GGGCACCAGGCAGTGTGGTGCTGCCTGACACAGACCCTTCGCGCTGTCCACAGATCTGCT[A>G]CAACATCCTGGTTCTGTGCCTGAGGGAGCTGTTCGAGTTCCACTTCATGCAAACAGACCC-3'
Protein context (NP_064632.2, residues 459-479): LSQEIRNEIC[Tyr469Cys]NILVLCLREL